The following is an entry in ClinVar:

ClinVar aggregate classification (germline): Likely benign (1 of 4 stars; one submission).

Conditions:
Non-obstructive azoospermia. Identifiers: MedGen C4021107, HP:0011961.

Allele frequency attached by ClinVar (database versions not stated): gnomAD exomes 0.00002; TOPMed 0.00002; ExAC 0.00001.
gnomAD v4.1: 42 of 1,612,300 alleles (0.0026%); highest among the groups gnomAD compares: Non-Finnish European, 0.0032%; no homozygotes.

Submission:

Institute of Reproductive Genetics, University of Münster
Classification: Likely benign for Non-obstructive azoospermia. Last evaluated: 2021-03-01. Review status: criteria provided, single submitter. Criteria: ACMG Guidelines, 2015. Collection method: research. Allele origin: unknown. Inheritance: Autosomal unknown. Affected: yes. Observed: 1 variant allele, 1 heterozygote.
Comment: BS2, BP4

NM_001039111.3(TRIM71):c.785G>C (p.Gly262Ala)

Gene: TRIM71 (tripartite motif containing 71; plus strand). Cytogenetic location: 3p22.3.
Variant type: single nucleotide variant.
Coding change: c.785G>C on transcript NM_001039111.3 (MANE Select); coding-DNA position 785, G replaced by C.
Protein change: p.Gly262Ala; replaces glycine 262 with alanine.
Molecular consequence: missense variant.
Genome position (GRCh38, 1-based): chr3:32,818,865, G>C. VCF-style: chr3-32818865-G-C. GRCh37 (hg19) VCF-style: chr3-32860357-G-C.
Other names: short protein forms G262A.
Identifiers: ClinVar variation 996343 (VCV000996343.3), dbSNP rs769421964, ClinGen allele CA2298691.